The following is an entry in ClinVar:

NM_014915.3(ANKRD26):c.2856G>C (p.Lys952Asn)

Gene: ANKRD26 (ankyrin repeat domain containing 26; minus strand). Cytogenetic location: 10p12.1.
Variant type: single nucleotide variant.
Coding change: c.2856G>C on transcript NM_014915.3 (MANE Select); coding-DNA position 2856, G replaced by C.
Protein change: p.Lys952Asn; replaces lysine 952 with asparagine.
Molecular consequence: missense variant.
Genome position (GRCh38, 1-based): chr10:27,035,594, C>G on the plus strand (G>C on the coding strand, the complement: ANKRD26 is on the minus strand). VCF-style: chr10-27035594-C-G. GRCh37 (hg19) VCF-style: chr10-27324523-C-G.
Other names: c.2853G>C, p.Lys951Asn (NM_001256053.2); short protein forms K952N, K951N.
Identifiers: ClinVar variation 3870801 (VCV003870801.1).

ClinVar aggregate classification (germline): Uncertain significance (1 of 4 stars; one submission).

Conditions:
Inborn genetic diseases. Identifiers: MedGen C0950123, MeSH D030342.

gnomAD v4.1: 8 of 1,606,636 alleles (0.0005%); highest among the groups gnomAD compares: South Asian, 0.0034%; no homozygotes.

Submission:

Ambry Genetics
Classification: Uncertain significance for Inborn genetic diseases. Last evaluated: 2025-01-25. Review status: criteria provided, single submitter. Criteria: Ambry Variant Classification Scheme 2023. Collection method: clinical testing. Allele origin: germline.
Comment: The p.K952N variant (also known as c.2856G>C), located in coding exon 24 of the ANKRD26 gene, results from a G to C substitution at nucleotide position 2856. The lysine at codon 952 is replaced by asparagine, an amino acid with similar properties. This amino acid position is conserved. In addition, this alteration is predicted to be tolerated by in silico analysis. Based on the available evidence, the clinical significance of this variant remains unclear.